The following is an entry in ClinVar:

NM_000053.4(ATP7B):c.1847G>A (p.Arg616Gln)

Gene: ATP7B (ATPase copper transporting beta; minus strand). Cytogenetic location: 13q14.3.
Variant type: single nucleotide variant.
Coding change: c.1847G>A on transcript NM_000053.4 (MANE Select); coding-DNA position 1847, G replaced by A.
Protein change: p.Arg616Gln; replaces arginine 616 with glutamine.
Molecular consequence: missense variant.
Genome position (GRCh38, 1-based): chr13:51,964,894, C>T on the plus strand (G>A on the coding strand, the complement: ATP7B is on the minus strand). VCF-style: chr13-51964894-C-T. GRCh37 (hg19) VCF-style: chr13-52539030-C-T.
Other names: c.1847G>A, p.Arg616Gln (NM_001005918.3, NM_001330578.2, NM_001330579.2); c.1514G>A, p.Arg505Gln (NM_001243182.2); short protein forms R616Q, R505Q.
Identifiers: ClinVar variation 552606 (VCV000552606.69), dbSNP rs752850609, ClinGen allele CA6989212.

ClinVar aggregate classification (germline): Pathogenic. Review status: criteria provided, multiple submitters, no conflicts (2 of 4 stars). 20 submissions from 20 submitters: Pathogenic (16). 4 of the submissions do not count toward it. Last evaluated 2026-03-10.

Conditions:
ATP7B-related disorder. Also called: ATP7B-related condition.
Wilson disease (WND). Also called: Wilson's disease. Identifiers: Orphanet 905, MedGen C0019202, MONDO:0010200, OMIM 277900. Disease mechanism: loss of function.

Allele frequency attached by ClinVar (database versions not stated): gnomAD 0.00001 and 0.00002; gnomAD exomes 0.00002 and 0.00005; TOPMed 0.00003; ExAC 0.00005.

Submissions 1 to 14 of 20:

GeneDx
Classification: Pathogenic. Last evaluated: 2026-03-10. Review status: criteria provided, single submitter. Criteria: GeneDx Variant Classification Process June 2021. Collection method: clinical testing. Allele origin: germline.
Comment: Published functional studies demonstrate a damaging effect on cell growth (PMID: 30702195); In silico analysis supports that this missense variant has a deleterious effect on protein structure/function; Not observed at significant frequency in large population cohorts (gnomAD); This variant is associated with the following publications: (PMID: 16283883, 18286826, 17264425, 32118851, 23789284, 23518715, 12885331, 22735241, 18371106, 18034201, 10502777, 20517649, 21610751, 17919502, 35271763, 39767741, 38057357, 35220961, 26799313, 30702195)

Labcorp Genetics (formerly Invitae), Labcorp
Classification: Pathogenic for Wilson disease. Last evaluated: 2025-11-26. Review status: criteria provided, single submitter. Criteria: Invitae Variant Classification Sherloc (09022015). Collection method: clinical testing. Allele origin: germline.
Comment: This sequence change replaces arginine, which is basic and polar, with glutamine, which is neutral and polar, at codon 616 of the ATP7B protein (p.Arg616Gln). This variant is present in population databases (rs752850609, gnomAD 0.009%). This missense change has been observed in individual(s) with Wilson disease (PMID: 12885331, 21610751, 22735241, 26799313). ClinVar contains an entry for this variant (Variation ID: 552606). Invitae Evidence Modeling of protein sequence and biophysical properties (such as structural, functional, and spatial information, amino acid conservation, physicochemical variation, residue mobility, and thermodynamic stability) indicates that this missense variant is expected to disrupt ATP7B protein function with a positive predictive value of 80%. For these reasons, this variant has been classified as Pathogenic.

Natera, Inc.
Classification: Pathogenic for Wilson disease. Last evaluated: 2025-11-17. Review status: criteria provided, single submitter. Criteria: Natera Variant Classification Schema (03/2026). Collection method: clinical testing. Allele origin: germline.
Comment: The c.1847G>A variant in ATP7B is a missense variant predicted to cause substitution of arginine to glutamine at amino acid 616. This variant is rare in the general population with a frequency below the threshold expected for the associated phenotype(s). This variant has been observed in one or more individuals affected with the associated recessive disease, as either homozygous or compound heterozygous with a second variant (PMID: 22735241, 26799313). Computational prediction algorithms indicate this variant is likely to affect gene or protein function. Given the available evidence, this variant is classified as Pathogenic.

Blueprint Genetics
Classification: Pathogenic for ATP7B-related disorders. Last evaluated: 2024-10-02. Review status: criteria provided, single submitter. Criteria: ACMG Guidelines, 2015. Collection method: clinical testing. Allele origin: germline. Affected: yes. Observed: 5 variant alleles.

Revvity Omics, Revvity
Classification: Pathogenic for Wilson disease. Last evaluated: 2024-09-02. Review status: criteria provided, single submitter. Criteria: ACMG Guidelines, 2015. Collection method: clinical testing. Allele origin: germline.

All of Us Research Program, National Institutes of Health
Classification: Pathogenic for Wilson disease. Last evaluated: 2024-08-06. Review status: criteria provided, single submitter. Criteria: ACMG Guidelines, 2015. Collection method: clinical testing. Allele origin: germline. Inheritance: Autosomal recessive inheritance. Observed: 9 variant alleles, 9 heterozygotes.
Comment: This missense variant replaces arginine with glutamine at codon 616 of the ATP7B protein. Computational prediction is inconclusive regarding the impact of this variant on protein structure and function (internally defined REVEL score threshold 0.5 < inconclusive < 0.7, PMID: 27666373). To our knowledge, functional studies have not been reported for this variant. This variant has been reported in individuals affected with Wilson disease (PMID: 10502777, 12885331, 16283883, 17264425, 18286826, 18034201, 21610751, 22735241, 23518715, 23789284, 26799313). In many of these affected individuals, this variant has been determined to be homozygous or compound heterozygous with another pathogenic variant in the same gene (PMID: 12885331, 17264425, 21610751, 22735241, 23518715, 26799313). These data indicate that this variant contributes to Wilson disease in an autosomal recessive manner. This variant has been identified in 12/249570 chromosomes in the general population by the Genome Aggregation Database (gnomAD). A different variant occurring at the same codon, p.Arg616Trp, is classified as pathogenic (Clinvar Variation ID: 863093), indicating that arginine at this position is important for ATP7b protein function. Based on the available evidence, this variant is classified as Pathogenic.

This study involves interpretation of variants in research participants for the purpose of population health screening. Participant phenotype was not available at the time of variant classification. Additional details can be found in publication PMID: 35346344, PMCID: PMC8962531

3billion
Classification: Pathogenic for Wilson disease. Last evaluated: 2024-06-12. Review status: criteria provided, single submitter. Criteria: ACMG Guidelines, 2015. Collection method: clinical testing. Allele origin: germline. Affected: yes.
Comment: The variant is observed at an extremely low frequency in the gnomAD v4.0.0 dataset (total allele frequency: 0.002%). Predicted Consequence/Location: The majority of the known disease-causing variants of this gene are variants expected to result in premature termination of the protein. In silico tool predictions suggest damaging effect of the variant on gene or gene product [REVEL: 0.63 (>=0.6, sensitivity 0.68 and specificity 0.92); 3Cnet: 0.69 (>=0.6, sensitivity 0.72 and precision 0.9)]. The same nucleotide change resulting in the same amino acid change has been previously reported as pathogenic/likely pathogenic with strong evidence (ClinVar ID: VCV000552606 /PMID: 10502777). The variant is in trans with the other variant. A different missense change at the same codon (p.Arg616Trp) has been reported as pathogenic/likely pathogenic with strong evidence (ClinVar ID: VCV000863093 /PMID: 11690702). Therefore, this variant is classified as Pathogenic according to the recommendation of ACMG/AMP guideline.

Color Diagnostics, LLC DBA Color Health
Classification: Pathogenic for Wilson disease. Last evaluated: 2024-05-08. Review status: criteria provided, single submitter. Criteria: ACMG Guidelines, 2015. Collection method: clinical testing. Allele origin: germline.
Comment: This missense variant replaces arginine with glutamine at codon 616 of the ATP7B protein. Computational prediction is inconclusive regarding the impact of this variant on protein structure and function. To our knowledge, functional studies have not been reported for this variant. This variant has been reported in individuals affected with Wilson disease (PMID: 10502777, 12885331, 16283883, 17264425, 18286826, 18034201, 21610751, 22735241, 23518715, 23789284, 26799313). In many of these affected individuals, this variant was confirmed to be homozygous or compound heterozygous with another pathogenic variant in the same gene (PMID: 12885331, 17264425, 21610751, 22735241, 23518715, 26799313). These data indicate that this variant contributes to Wilson disease in an autosomal recessive manner. This variant has been identified in 12/249570 chromosomes in the general population by the Genome Aggregation Database (gnomAD). A different variant occurring at the same codon, p.Arg616Trp, is classified as pathogenic (Clinvar Variation ID: 863093), indicating that arginine at this position is important for ATP7b protein function. Based on the available evidence, this variant is classified as Pathogenic.

CeGaT Center for Human Genetics Tuebingen
Classification: Pathogenic. Last evaluated: 2024-04-01. Review status: criteria provided, single submitter. Criteria: CeGaT Center For Human Genetics Tuebingen Variant Classification Criteria Version 2. Collection method: clinical testing. Allele origin: germline. Affected: yes. Observed: 3 variant alleles.
Comment: ATP7B: PM3:Very Strong, PM2, PM5, PP4, PS3:Supporting

Baylor Genetics
Classification: Pathogenic for Wilson disease. Last evaluated: 2024-03-26. Review status: criteria provided, single submitter. Criteria: ACMG Guidelines, 2015. Collection method: clinical testing. Allele origin: unknown.

Fulgent Genetics
Classification: Pathogenic for Wilson disease. Last evaluated: 2024-03-15. Review status: criteria provided, single submitter. Criteria: ACMG Guidelines, 2015. Collection method: clinical testing. Allele origin: germline.

Laboratory of Medical Genetics, National & Kapodistrian University of Athens
Classification: Pathogenic for Wilson disease. Last evaluated: 2024-02-01. Review status: criteria provided, single submitter. Criteria: ACMG Guidelines, 2015. Collection method: curation. Allele origin: germline. Affected: no.

Genome-Nilou Lab
Classification: Pathogenic for Wilson disease. Last evaluated: 2021-08-10. Review status: criteria provided, single submitter. Criteria: ACMG Guidelines, 2015. Collection method: clinical testing. Allele origin: germline. Affected: no.

Centre for Mendelian Genomics, University Medical Centre Ljubljana
Classification: Pathogenic for Wilson disease. Last evaluated: 2019-04-09. Review status: criteria provided, single submitter. Criteria: ACMG Guidelines, 2015. Collection method: clinical testing. Allele origin: unknown. Affected: yes.
Comment: This variant was classified as: Pathogenic. The following ACMG criteria were applied in classifying this variant: PS1,PM2,PM3,PM5,PP2,PP3.